The following is an entry in ClinVar:

ClinVar aggregate classification (germline): Uncertain significance (1 of 4 stars; one submission).

Submission:

GeneDx
Classification: Uncertain significance. Last evaluated: 2023-02-16. Review status: criteria provided, single submitter. Criteria: GeneDx Variant Classification Process June 2021. Collection method: clinical testing. Allele origin: germline. Affected: yes.
Comment: Not observed at significant frequency in large population cohorts (gnomAD); In silico analysis supports that this missense variant has a deleterious effect on protein structure/function; Has not been previously published as pathogenic or benign to our knowledge

NM_017636.4(TRPM4):c.348C>A (p.Asn116Lys)

Gene: TRPM4 (transient receptor potential cation channel subfamily M member 4; plus strand). Cytogenetic location: 19q13.33.
Variant type: single nucleotide variant.
Coding change: c.348C>A on transcript NM_017636.4 (MANE Select); coding-DNA position 348, C replaced by A.
Protein change: p.Asn116Lys; replaces asparagine 116 with lysine.
Molecular consequence: missense variant. On other transcripts: intron variant (4).
Genome position (GRCh38, 1-based): chr19:49,167,997, C>A. VCF-style: chr19-49167997-C-A. GRCh37 (hg19) VCF-style: chr19-49671254-C-A.
Other names: c.348C>A, p.Asn116Lys (NM_001195227.2); c.-1105-263C>A (NM_001321282.2); c.268-556C>A (NM_001321281.2); c.-74-263C>A (NM_001321283.2); c.-237-556C>A (NM_001321285.2); short protein forms N116K.
Identifiers: ClinVar variation 2576883 (VCV002576883.1), dbSNP rs2514056571, ClinGen allele CA406790224.
Genomic context (GRCh38, chr19:49,167,997, plus strand): 5'-AACGGATCCAGCTGCAGTTTATAGTCTGGTCACACGCACATGGGGCTTCCGTGCCCCGAA[C>A]CTGGTGGTGTCAGTGCTGGGGGGATCGGGGGGCCCCGTCCTCCAGACCTGGCTGCAGGAC-3'
Protein context (NP_060106.2, residues 106-126): VTRTWGFRAP[Asn116Lys]LVVSVLGGSG